The following is an entry in ClinVar:

NM_001943.5(DSG2):c.1477A>G (p.Asn493Asp)

Gene: DSG2 (desmoglein 2; plus strand). Cytogenetic location: 18q12.1.
Variant type: single nucleotide variant.
Coding change: c.1477A>G on transcript NM_001943.5 (MANE Select); coding-DNA position 1477, A replaced by G.
Protein change: p.Asn493Asp; replaces asparagine 493 with aspartic acid.
Molecular consequence: missense variant.
Genome position (GRCh38, 1-based): chr18:31,536,255, A>G. VCF-style: chr18-31536255-A-G. GRCh37 (hg19) VCF-style: chr18-29116218-A-G.
Other names: c.1477A>G (NM_001943.3); short protein forms N493D.
Identifiers: ClinVar variation 1058775 (VCV001058775.11), dbSNP rs2144341490, ClinGen allele CA402141381.

ClinVar aggregate classification (germline): Uncertain significance. Review status: criteria provided, multiple submitters, no conflicts (2 of 4 stars). 4 submissions from 4 submitters: Uncertain significance (4). Last evaluated 2025-01-10.

Conditions:
Cardiomyopathy (CMYO). Also called: Cardiomyopathies. Identifiers: Orphanet 167848, MedGen C0878544, MONDO:0004994, HP:0001638. Inheritance: Various modes of inheritance.
Cardiovascular phenotype. Identifiers: MedGen CN230736.
Arrhythmogenic right ventricular cardiomyopathy (ARVD). Also called: Cardiomyopathy, ARVC; Arrhythmogenic right ventricular dysplasia; Arrhythmogenic cardiomyopathy; Arrhythmogenic Right Ventricular Cardiomyopathy (ARVC). Identifiers: Orphanet 247, MedGen C0349788, MeSH D019571, MONDO:0016587. Disease mechanism: loss of function. Inheritance: Various modes of inheritance.
Arrhythmogenic right ventricular dysplasia 10. Also called: Arrhythmogenic Right Ventricular Dysplasia/Cardiomyopathy10; ARRHYTHMOGENIC RIGHT VENTRICULAR DYSPLASIA, FAMILIAL, 10; Arrhythmogenic right ventricular dysplasia/cardiomyopathy, type 10. Identifiers: MedGen C1857777, MONDO:0012434, OMIM 610193.

Allele frequency attached by ClinVar (database versions not stated): gnomAD exomes below 0.00001.
gnomAD v4.1: 3 of 1,614,218 alleles (0.00019%); highest among the groups gnomAD compares: Non-Finnish European, 0.00025%; no homozygotes.

Submissions (4):

Ambry Genetics
Classification: Uncertain significance for Cardiovascular phenotype. Last evaluated: 2025-01-10. Review status: criteria provided, single submitter. Criteria: Ambry Variant Classification Scheme 2023. Collection method: clinical testing. Allele origin: germline.
Comment: The p.N493D variant (also known as c.1477A>G), located in coding exon 11 of the DSG2 gene, results from an A to G substitution at nucleotide position 1477. The asparagine at codon 493 is replaced by aspartic acid, an amino acid with highly similar properties. This amino acid position is conserved. In addition, the in silico prediction for this alteration is inconclusive. Based on the available evidence, the clinical significance of this variant remains unclear.

Labcorp Genetics (formerly Invitae), Labcorp
Classification: Uncertain significance for Arrhythmogenic right ventricular dysplasia 10. Last evaluated: 2025-01-01. Review status: criteria provided, single submitter. Criteria: Invitae Variant Classification Sherloc (09022015). Collection method: clinical testing. Allele origin: germline.
Comment: This sequence change replaces asparagine, which is neutral and polar, with aspartic acid, which is acidic and polar, at codon 493 of the DSG2 protein (p.Asn493Asp). This variant is not present in population databases (gnomAD no frequency). This variant has not been reported in the literature in individuals affected with DSG2-related conditions. ClinVar contains an entry for this variant (Variation ID: 1058775). Invitae Evidence Modeling of protein sequence and biophysical properties (such as structural, functional, and spatial information, amino acid conservation, physicochemical variation, residue mobility, and thermodynamic stability) has been performed for this missense variant. However, the output from this modeling did not meet the statistical confidence thresholds required to predict the impact of this variant on DSG2 protein function. In summary, the available evidence is currently insufficient to determine the role of this variant in disease. Therefore, it has been classified as a Variant of Uncertain Significance.

All of Us Research Program, National Institutes of Health
Classification: Uncertain significance for Arrhythmogenic right ventricular cardiomyopathy. Last evaluated: 2024-02-22. Review status: criteria provided, single submitter. Criteria: ACMG Guidelines, 2015. Collection method: clinical testing. Allele origin: germline. Inheritance: Autosomal dominant inheritance. Observed: 1 variant allele, 1 heterozygote.
Comment: This missense variant replaces asparagine with aspartic acid at codon 493 of the DSG2 protein. Computational prediction is inconclusive regarding the impact of this variant on protein structure and function (internally defined REVEL score threshold 0.5 < inconclusive < 0.7, PMID: 27666373). To our knowledge, functional studies have not been reported for this variant. This variant has not been reported in individuals affected with DSG2-related disorders in the literature. This variant has not been identified in the general population by the Genome Aggregation Database (gnomAD). The available evidence is insufficient to determine the role of this variant in disease conclusively. Therefore, this variant is classified as a Variant of Uncertain Significance.

This study involves interpretation of variants in research participants for the purpose of population health screening. Participant phenotype was not available at the time of variant classification. Additional details can be found in publication PMID: 35346344, PMCID: PMC8962531

Color Diagnostics, LLC DBA Color Health
Classification: Uncertain significance for Cardiomyopathy. Last evaluated: 2024-01-30. Review status: criteria provided, single submitter. Criteria: ACMG Guidelines, 2015. Collection method: clinical testing. Allele origin: germline.
Comment: This missense variant replaces asparagine with aspartic acid at codon 493 of the DSG2 protein. Computational prediction is inconclusive regarding the impact of this variant on protein structure and function. To our knowledge, functional studies have not been reported for this variant. This variant has not been reported in individuals affected with DSG2-related disorders in the literature. This variant has not been identified in the general population by the Genome Aggregation Database (gnomAD). The available evidence is insufficient to determine the role of this variant in disease conclusively. Therefore, this variant is classified as a Variant of Uncertain Significance.